The following is an entry in ClinVar:

NM_002788.4(PSMA3):c.122G>T (p.Arg41Ile)

Gene: PSMA3 (proteasome 20S subunit alpha 3; plus strand). Cytogenetic location: 14q23.1.
Variant type: single nucleotide variant.
Coding change: c.122G>T on transcript NM_002788.4 (MANE Select); coding-DNA position 122, G replaced by T.
Protein change: p.Arg41Ile; replaces arginine 41 with isoleucine.
Molecular consequence: missense variant. On other transcripts: non-coding transcript variant (1).
Genome position (GRCh38, 1-based): chr14:58,252,136, G>T. VCF-style: chr14-58252136-G-T. GRCh37 (hg19) VCF-style: chr14-58718854-G-T.
Other names: c.122G>T, p.Arg41Ile (NM_152132.3); short protein forms R41I.
Identifiers: ClinVar variation 4714032 (VCV004714032.1).

ClinVar aggregate classification (germline): Uncertain significance (1 of 4 stars; one submission).

Submission:

Labcorp Genetics (formerly Invitae), Labcorp
Classification: Uncertain significance. Last evaluated: 2025-03-06. Review status: criteria provided, single submitter. Criteria: Invitae Variant Classification Sherloc (09022015). Collection method: clinical testing. Allele origin: germline.
Comment: This sequence change replaces arginine, which is basic and polar, with isoleucine, which is neutral and non-polar, at codon 41 of the PSMA3 protein (p.Arg41Ile). This variant is not present in population databases (gnomAD no frequency). This variant has not been reported in the literature in individuals affected with PSMA3-related conditions. An algorithm developed to predict the effect of missense changes on protein structure and function (PolyPhen-2) suggests that this variant is likely to be disruptive. In summary, the available evidence is currently insufficient to determine the role of this variant in disease. Therefore, it has been classified as a Variant of Uncertain Significance.